The following is an entry in ClinVar:

ClinVar aggregate classification (germline): Uncertain significance (1 of 4 stars; one submission).

Conditions:
Menkes kinky-hair syndrome (MNK). Also called: Copper transport disease; Menkes Disease; Classic Menkes Disease. Identifiers: Orphanet 565, MedGen C0022716, MONDO:0010651, OMIM 309400.
X-linked distal spinal muscular atrophy type 3. Also called: ATP7A-Related Distal Motor Neuropathy; SPINAL MUSCULAR ATROPHY, DISTAL, X-LINKED RECESSIVE; NEURONOPATHY, DISTAL HEREDITARY MOTOR, X-LINKED; NEUROPATHY, DISTAL HEREDITARY MOTOR, X-LINKED. Identifiers: Orphanet 139557, MedGen C1845359, MONDO:0010338, OMIM 300489.
Cutis laxa, X-linked (OHS). Also called: EDS IX; Occipital horn syndrome. Identifiers: Orphanet 198, MedGen C0268353, MONDO:0010572, OMIM 304150.

Submission:

Labcorp Genetics (formerly Invitae), Labcorp
Classification: Uncertain significance for X-linked distal spinal muscular atrophy type 3; Cutis laxa, X-linked; Menkes kinky-hair syndrome. Last evaluated: 2026-01-21. Review status: criteria provided, single submitter. Criteria: Invitae Variant Classification Sherloc (09022015). Collection method: clinical testing. Allele origin: germline.
Comment: This sequence change replaces leucine, which is neutral and non-polar, with valine, which is neutral and non-polar, at codon 825 of the ATP7A protein (p.Leu825Val). This variant is not present in population databases (gnomAD no frequency). This variant has not been reported in the literature in individuals affected with ATP7A-related conditions. ClinVar contains an entry for this variant (Variation ID: 3762070). Invitae Evidence Modeling of protein sequence and biophysical properties (such as structural, functional, and spatial information, amino acid conservation, physicochemical variation, residue mobility, and thermodynamic stability) indicates that this missense variant is not expected to disrupt ATP7A protein function with a negative predictive value of 95%. In summary, the available evidence is currently insufficient to determine the role of this variant in disease. Therefore, it has been classified as a Variant of Uncertain Significance.

NM_000052.7(ATP7A):c.2473C>G (p.Leu825Val)

Gene: ATP7A (ATPase copper transporting alpha; plus strand). Cytogenetic location: Xq21.1.
Variant type: single nucleotide variant.
Coding change: c.2473C>G on transcript NM_000052.7 (MANE Select); coding-DNA position 2473, C replaced by G.
Protein change: p.Leu825Val; replaces leucine 825 with valine.
Molecular consequence: missense variant.
Genome position (GRCh38, 1-based): chrX:78,014,728, C>G. VCF-style: chrX-78014728-C-G. GRCh37 (hg19) VCF-style: chrX-77270225-C-G.
Other names: c.2239C>G, p.Leu747Val (NM_001282224.2); short protein forms L747V, L825V.
Identifiers: ClinVar variation 3762070 (VCV003762070.2).